The following is an entry in ClinVar:

NM_006767.4(LZTR1):c.1794C>G (p.Cys598Trp)

Gene: LZTR1 (leucine zipper like post translational regulator 1; plus strand). Cytogenetic location: 22q11.21.
Variant type: single nucleotide variant.
Coding change: c.1794C>G on transcript NM_006767.4 (MANE Select); coding-DNA position 1794, C replaced by G.
Protein change: p.Cys598Trp; replaces cysteine 598 with tryptophan.
Molecular consequence: missense variant.
Genome position (GRCh38, 1-based): chr22:20,994,878, C>G. VCF-style: chr22-20994878-C-G. GRCh37 (hg19) VCF-style: chr22-21349167-C-G.
Other names: short protein forms C598W.
Identifiers: ClinVar variation 3693230 (VCV003693230.2).

ClinVar aggregate classification (germline): Uncertain significance (1 of 4 stars; one submission).

Submission:

Labcorp Genetics (formerly Invitae), Labcorp
Classification: Uncertain significance. Last evaluated: 2024-10-03. Review status: criteria provided, single submitter. Criteria: Invitae Variant Classification Sherloc (09022015). Collection method: clinical testing. Allele origin: germline.
Comment: This sequence change replaces cysteine, which is neutral and slightly polar, with tryptophan, which is neutral and slightly polar, at codon 598 of the LZTR1 protein (p.Cys598Trp). This variant is not present in population databases (gnomAD no frequency). This variant has not been reported in the literature in individuals affected with LZTR1-related conditions. Invitae Evidence Modeling of protein sequence and biophysical properties (such as structural, functional, and spatial information, amino acid conservation, physicochemical variation, residue mobility, and thermodynamic stability) indicates that this missense variant is not expected to disrupt LZTR1 protein function with a negative predictive value of 80%. In summary, the available evidence is currently insufficient to determine the role of this variant in disease. Therefore, it has been classified as a Variant of Uncertain Significance.